The following is an entry in ClinVar:

NM_004168.4(SDHA):c.63G>A (p.Ala21=)

Gene: SDHA (succinate dehydrogenase complex flavoprotein subunit A; plus strand). Cytogenetic location: 5p15.33.
Variant type: single nucleotide variant.
Coding change: c.63G>A on transcript NM_004168.4 (MANE Select); coding-DNA position 63, G replaced by A.
Protein change: p.Ala21=; no amino-acid change (alanine 21 retained).
Molecular consequence: synonymous variant.
Genome position (GRCh38, 1-based): chr5:218,418, G>A. VCF-style: chr5-218418-G-A. GRCh37 (hg19) VCF-style: chr5-218533-G-A.
Other names: c.63G>A, p.Ala21= (NM_001294332.2, NM_001330758.2).
Identifiers: ClinVar variation 141693 (VCV000141693.13), dbSNP rs587781942, ClinGen allele CA166153.

ClinVar aggregate classification (germline): Uncertain significance. Review status: criteria provided, multiple submitters, no conflicts (2 of 4 stars). 2 submissions from 2 submitters: Uncertain significance (2). Last evaluated 2026-02-19.

Conditions:
Pheochromocytoma/paraganglioma syndrome 5. Also called: Paragangliomas 5; SDHA-Related Hereditary Paraganglioma-Pheochromocytoma Syndrome. Identifiers: Orphanet 29072, MedGen C3279992, MONDO:0013602, OMIM 614165.
Mitochondrial complex II deficiency, nuclear type 1. Also called: SUCCINATE CoQ REDUCTASE DEFICIENCY. Identifiers: Orphanet 3208, MedGen C5700310, MONDO:0100294, OMIM 252011.
Hereditary cancer-predisposing syndrome. Also called: Hereditary Cancer Syndrome; Neoplastic Syndromes, Hereditary; Tumor predisposition; Hereditary neoplastic syndrome. Identifiers: Orphanet 140162, MedGen C0027672, MeSH D009386, MONDO:0015356.

gnomAD v4.1: 2 of 1,432,964 alleles (0.00014%); highest among the groups gnomAD compares: African/African-American, 0.0015%; no homozygotes.

Submissions (2):

Ambry Genetics
Classification: Uncertain significance for Hereditary cancer-predisposing syndrome. Last evaluated: 2026-02-19. Review status: criteria provided, single submitter. Criteria: Ambry Variant Classification Scheme 2023. Collection method: clinical testing. Allele origin: germline.
Comment: The c.63G>A variant (also known as p.A21A), located in coding exon 1 of the SDHA gene, results from a G to A substitution at nucleotide position 63. This nucleotide substitution does not change the at codon 21. This nucleotide substitution does not change the amino acid at codon 21. This variant was reported in individual(s) with features consistent with SDHA-related hereditary pheochromocytoma-paraganglioma (Ambry internal data). This nucleotide position is well conserved in available vertebrate species. In silico splice site analysis predicts that this alteration will not have any significant effect on splicing. Based on the available evidence, the clinical significance of this variant remains unclear.

Labcorp Genetics (formerly Invitae), Labcorp
Classification: Uncertain significance for Pheochromocytoma/paraganglioma syndrome 5; Mitochondrial complex II deficiency, nuclear type 1. Last evaluated: 2020-09-16. Review status: criteria provided, single submitter. Criteria: Invitae Variant Classification Sherloc (09022015). Collection method: clinical testing. Allele origin: germline.
Comment: In summary, the available evidence is currently insufficient to determine the role of this variant in disease. Therefore, it has been classified as a Variant of Uncertain Significance. Nucleotide substitutions within the consensus splice site are a relatively common cause of aberrant splicing (PMID: 17576681, 9536098). Algorithms developed to predict the effect of sequence changes on RNA splicing suggest that this variant may disrupt the consensus splice site, but this prediction has not been confirmed by published transcriptional studies. This variant has not been reported in the literature in individuals with SDHA-related conditions. ClinVar contains an entry for this variant (Variation ID: 141693). The frequency data for this variant in the population databases is considered unreliable, as metrics indicate insufficient coverage at this position in the ExAC database. This sequence change affects codon 21 of the SDHA mRNA. It is a 'silent' change, meaning that it does not change the encoded amino acid sequence of the SDHA protein. This variant also falls at the last nucleotide of exon 1 of the SDHA coding sequence, which is part of the consensus splice site for this exon.

Literature cited by the submitters: PubMed 17576681 (cited by Labcorp Genetics (formerly Invitae), Labcorp); PubMed 9536098 (cited by Labcorp Genetics (formerly Invitae), Labcorp).